The following is an entry in ClinVar:

ClinVar aggregate classification (germline): Uncertain significance (1 of 4 stars; one submission).

Conditions:
Chuvash polycythemia. Also called: POLYCYTHEMIA, VHL-DEPENDENT. Identifiers: Orphanet 238557, MedGen C1837915, MONDO:0009892, OMIM 263400.
Von Hippel-Lindau syndrome (VHLS). Also called: Von Hippel-Lindau; von Hippel–Lindau syndrome; VHL syndrome. Identifiers: Orphanet 892, MedGen C0019562, MONDO:0008667, OMIM 193300. Disease mechanism: loss of function.

Allele frequency attached by ClinVar (database versions not stated): gnomAD 0.00001; TOPMed 0.00001.
gnomAD v4.1: 2 of 154,086 alleles (0.0013%); highest among the groups gnomAD compares: Non-Finnish European, 0.0029%; no homozygotes.

Submission:

Labcorp Genetics (formerly Invitae), Labcorp
Classification: Uncertain significance for Von Hippel-Lindau syndrome; Chuvash polycythemia. Last evaluated: 2022-10-27. Review status: criteria provided, single submitter. Criteria: Invitae Variant Classification Sherloc (09022015). Collection method: clinical testing. Allele origin: germline.
Comment: In summary, the available evidence is currently insufficient to determine the role of this variant in disease. Therefore, it has been classified as a Variant of Uncertain Significance. Studies have shown that this variant is associated with altered splicing resulting in unknown protein product impact (Invitae). Experimental studies and prediction algorithms are not available or were not evaluated, and the functional significance of this variant is currently unknown. ClinVar contains an entry for this variant (Variation ID: 1063292). This variant has not been reported in the literature in individuals affected with VHL-related conditions. This variant is not present in population databases (gnomAD no frequency). This sequence change falls in intron 1 of the VHL gene. It is not expected to change the encoded amino acid sequence of the VHL protein. However, this sequence change falls within a cryptic exon in the VHL gene, known as exon E1’, which is naturally expressed at low levels in several human tissues (PMID: 29891534). RNA analysis indicates that this variant induces altered splicing and may result in an absent or disrupted protein product.

Literature cited by the submitters: PubMed 29891534.

NM_000551.4(VHL):c.340+594G>T

Genes: VHL (von Hippel-Lindau tumor suppressor; plus strand), LOC107303340 (3p25 von Hippel-Lindau tumor suppressor, E3 ubiquitin protein ligase Alu-mediated recombination region; plus strand). Cytogenetic location: 3p25.3.
Variant type: single nucleotide variant.
Coding change: c.340+594G>T on transcript NM_000551.4 (MANE Select); 594 bases into the intron after coding-DNA position 340, G replaced by T.
Molecular consequence: intron variant. On other transcripts: missense variant (1).
Genome position (GRCh38, 1-based): chr3:10,142,781, G>T. VCF-style: chr3-10142781-G-T. GRCh37 (hg19) VCF-style: chr3-10184465-G-T.
Other names: c.359G>T, p.Gly120Val (NM_001354723.2); c.340+594G>T (NM_198156.3); short protein forms G120V.
Identifiers: ClinVar variation 1063292 (VCV001063292.7), dbSNP rs1235225768, ClinGen allele CA896160179.